The following is an entry in ClinVar:

ClinVar aggregate classification (germline): Benign/Likely benign. Review status: criteria provided, multiple submitters, no conflicts (2 of 4 stars). 14 submissions from 13 submitters: Benign (1); Likely benign (10). 3 of the submissions do not count toward it. Last evaluated 2026-08-01.

Conditions:
Connective tissue disorder. Also called: Connective tissue disease. Identifiers: MedGen C0009782, MONDO:0003900.
Adams-Oliver syndrome 5 (AOS5). Identifiers: Orphanet 974, MedGen C4014970, MONDO:0014459, OMIM 616028.
Aortic valve disease 1 (AOVD1). Identifiers: MedGen C3887892, MONDO:0024523, OMIM 109730.
Familial thoracic aortic aneurysm and aortic dissection (TAAD). Also called: Thoracic aortic aneurysms and dissections. Identifiers: Orphanet 91387, MedGen C4707243, MONDO:0019625.

Allele frequency attached by ClinVar (database versions not stated): ESP Exome Variant Server 0.00033; TOPMed 0.00043; gnomAD exomes 0.00054; gnomAD 0.00055 and 0.00058; ExAC 0.00066.
gnomAD v4.1: 584 of 1,552,270 alleles (0.038%); highest among the groups gnomAD compares: Non-Finnish European, 0.036%; no homozygotes.

Submissions (14):

CeGaT Center for Human Genetics Tuebingen
Classification: Likely benign. Last evaluated: 2026-08-01. Review status: criteria provided, single submitter. Criteria: CeGaT Center For Human Genetics Tuebingen Variant Classification Criteria Version 2. Collection method: clinical testing. Allele origin: germline. Affected: yes. Observed: 8 variant alleles.
Comment: NOTCH1: BP4, BP7

Labcorp Genetics (formerly Invitae), Labcorp
Classification: Likely benign for Adams-Oliver syndrome 5. Last evaluated: 2026-01-27. Review status: criteria provided, single submitter. Criteria: Invitae Variant Classification Sherloc (09022015). Collection method: clinical testing. Allele origin: germline.

Laboratory of Genetics, Children's Clinical University Hospital Latvia
Classification: Likely benign. Last evaluated: 2025-02-16. Review status: criteria provided, single submitter. Criteria: ACMG Guidelines, 2015. Collection method: clinical testing. Allele origin: germline. Affected: yes.

Women's Health and Genetics/Laboratory Corporation of America, LabCorp
Classification: Benign. Last evaluated: 2024-12-09. Review status: criteria provided, single submitter. Criteria: LabCorp Variant Classification Summary - May 2015. Collection method: clinical testing. Allele origin: germline.

Blueprint Genetics
Classification: Likely benign. Last evaluated: 2024-11-22. Review status: criteria provided, single submitter. Criteria: ACMG Guidelines, 2015. Collection method: clinical testing. Allele origin: germline.

Genome-Nilou Lab
Classification: Likely benign for Adams-Oliver syndrome 5. Last evaluated: 2022-03-15. Review status: criteria provided, single submitter. Criteria: ACMG Guidelines, 2015. Collection method: clinical testing. Allele origin: germline. Affected: no.

Genome-Nilou Lab
Classification: Likely benign for Aortic valve disease 1. Last evaluated: 2022-03-15. Review status: criteria provided, single submitter. Criteria: ACMG Guidelines, 2015. Collection method: clinical testing. Allele origin: germline. Affected: no.

Fulgent Genetics
Classification: Likely benign for Aortic valve disease 1; Adams-Oliver syndrome 5. Last evaluated: 2021-10-06. Review status: criteria provided, single submitter. Criteria: ACMG Guidelines, 2015. Collection method: clinical testing. Allele origin: unknown.

GeneDx
Classification: Likely benign. Last evaluated: 2020-11-20. Review status: criteria provided, single submitter. Criteria: GeneDx Variant Classification Process June 2021. Collection method: clinical testing. Allele origin: germline. Affected: yes.
Comment: This variant is associated with the following publications: (PMID: 23040356)

Center for Human Genetics, Inc
Classification: Likely benign for Connective tissue disorder. Last evaluated: 2016-11-01. Review status: criteria provided, single submitter. Criteria: ACMG Guidelines, 2015. Collection method: clinical testing. Allele origin: germline. Affected: yes.

Ambry Genetics
Classification: Likely benign for Familial thoracic aortic aneurysm and aortic dissection. Last evaluated: 2015-03-06. Review status: criteria provided, single submitter. Criteria: Ambry Variant Classification Scheme 2023. Collection method: clinical testing. Allele origin: germline.

Clinical Genetics DNA and cytogenetics Diagnostics Lab, Erasmus MC, Erasmus Medical Center
Classification: Likely benign. Review status: no assertion criteria provided. Collection method: clinical testing. Allele origin: germline. Affected: yes. Study: VKGL Data-share Consensus. Not counted in ClinVar's aggregate classification.

Genome Diagnostics Laboratory, Amsterdam University Medical Center
Classification: Likely benign. Review status: no assertion criteria provided. Collection method: clinical testing. Allele origin: germline. Affected: yes. Study: VKGL Data-share Consensus. Not counted in ClinVar's aggregate classification.

Joint Genome Diagnostic Labs from Nijmegen and Maastricht, Radboudumc and MUMC+
Classification: Benign. Review status: no assertion criteria provided. Collection method: clinical testing. Allele origin: germline. Affected: yes. Study: VKGL Data-share Consensus. Not counted in ClinVar's aggregate classification.

Literature cited by the submitters: PubMed 24943832 (cited by Women's Health and Genetics/Laboratory Corporation of America, LabCorp); PubMed 16614245 (cited by Women's Health and Genetics/Laboratory Corporation of America, LabCorp); PubMed 21670202 (cited by Women's Health and Genetics/Laboratory Corporation of America, LabCorp); PubMed 22210878 (cited by Women's Health and Genetics/Laboratory Corporation of America, LabCorp); PubMed 19635999 (cited by Women's Health and Genetics/Laboratory Corporation of America, LabCorp); PubMed 26837699 (cited by Women's Health and Genetics/Laboratory Corporation of America, LabCorp); PubMed 23086750 (cited by Women's Health and Genetics/Laboratory Corporation of America, LabCorp); PubMed 19245433 (cited by Women's Health and Genetics/Laboratory Corporation of America, LabCorp); PubMed 22077063 (cited by Women's Health and Genetics/Laboratory Corporation of America, LabCorp); PubMed 15472075 (cited by Women's Health and Genetics/Laboratory Corporation of America, LabCorp); PubMed 23734977 (cited by Women's Health and Genetics/Laboratory Corporation of America, LabCorp); PubMed 22858860 (cited by Women's Health and Genetics/Laboratory Corporation of America, LabCorp).

NM_017617.5(NOTCH1):c.4917C>T (p.Ala1639=)

Gene: NOTCH1 (notch receptor 1; minus strand). Cytogenetic location: 9q34.3.
Variant type: single nucleotide variant.
Coding change: c.4917C>T on transcript NM_017617.5 (MANE Select); coding-DNA position 4917, C replaced by T.
Protein change: p.Ala1639=; no amino-acid change (alanine 1639 retained).
Molecular consequence: synonymous variant.
Genome position (GRCh38, 1-based): chr9:136,504,774, G>A on the plus strand (C>T on the coding strand, the complement: NOTCH1 is on the minus strand). VCF-style: chr9-136504774-G-A. GRCh37 (hg19) VCF-style: chr9-139399226-G-A.
Other names: c.4917C>T, p.Ala1639= (LRG_1122t1).
Identifiers: ClinVar variation 263870 (VCV000263870.58), dbSNP rs371365065, ClinGen allele CA5340494.
Genomic context (GRCh38, chr9:136,504,774, plus strand): 5'-ACCCTCGCTGCCACCAGGGAGCAGCGAGGCCTTCACCTGGCCCAGCAGGGCGTCAGGTGC[G>A]GCCCAGCCCTCGGCGGCACGCTTGATGGGGTGCTTGCGCAGCTCCTCCTCGCGGCCGTAG-3'
Protein context (NP_060087.3, residues 1629-1649): HPIKRAAEGW[Ala1639=]APDALLGQVK